The following is an entry in ClinVar:

NM_004984.4(KIF5A):c.1261A>C (p.Ile421Leu)

Gene: KIF5A (kinesin family member 5A; plus strand). Cytogenetic location: 12q13.3.
Variant type: single nucleotide variant.
Coding change: c.1261A>C on transcript NM_004984.4 (MANE Select); coding-DNA position 1261, A replaced by C.
Protein change: p.Ile421Leu; replaces isoleucine 421 with leucine.
Molecular consequence: missense variant.
Genome position (GRCh38, 1-based): chr12:57,570,130, A>C. VCF-style: chr12-57570130-A-C. GRCh37 (hg19) VCF-style: chr12-57963913-A-C.
Other names: c.994A>C, p.Ile332Leu (NM_001354705.2); short protein forms I332L, I421L.
Identifiers: ClinVar variation 2433155 (VCV002433155.6), dbSNP rs2540501738, ClinGen allele CA385504400.

ClinVar aggregate classification (germline): Uncertain significance. Review status: criteria provided, multiple submitters, no conflicts (2 of 4 stars). 2 submissions from 2 submitters: Uncertain significance (2). Last evaluated 2023-04-18.

Conditions:
Spastic paraplegia. Identifiers: MedGen C0037772, HP:0001258.

Allele frequency attached by ClinVar (database versions not stated): gnomAD exomes below 0.00001.
gnomAD v4.1: 1 of 1,614,062 alleles (0.000062%); highest among the groups gnomAD compares: Admixed American, 0.0017%; no homozygotes.

Submissions (2):

Labcorp Genetics (formerly Invitae), Labcorp
Classification: Uncertain significance for Spastic paraplegia. Last evaluated: 2023-04-18. Review status: criteria provided, single submitter. Criteria: Invitae Variant Classification Sherloc (09022015). Collection method: clinical testing. Allele origin: germline.
Comment: ClinVar contains an entry for this variant (Variation ID: 2433155). Advanced modeling of protein sequence and biophysical properties (such as structural, functional, and spatial information, amino acid conservation, physicochemical variation, residue mobility, and thermodynamic stability) performed at Invitae indicates that this missense variant is not expected to disrupt KIF5A protein function. In summary, the available evidence is currently insufficient to determine the role of this variant in disease. Therefore, it has been classified as a Variant of Uncertain Significance. This variant has not been reported in the literature in individuals affected with KIF5A-related conditions. This variant is not present in population databases (gnomAD no frequency). This sequence change replaces isoleucine, which is neutral and non-polar, with leucine, which is neutral and non-polar, at codon 421 of the KIF5A protein (p.Ile421Leu).

Revvity Omics, Revvity
Classification: Uncertain significance. Last evaluated: 2021-02-02. Review status: criteria provided, single submitter. Criteria: ACMG Guidelines, 2015. Collection method: clinical testing. Allele origin: germline.